The following is an entry in ClinVar:

ClinVar aggregate classification (germline): Likely benign. Review status: criteria provided, multiple submitters, no conflicts (2 of 4 stars). 3 submissions from 3 submitters: Likely benign (3). Last evaluated 2025-10-27.

Conditions:
Cardiovascular phenotype. Identifiers: MedGen CN230736.
Dilated cardiomyopathy 1KK (CMD1KK). Identifiers: Orphanet 154, Orphanet 75249, MedGen C3714995, MONDO:0014100, OMIM 615248.

Allele frequency attached by ClinVar (database versions not stated): gnomAD exomes below 0.00001 and 0.00001; gnomAD 0.00001; ExAC 0.00002; TOPMed 0.00002; ESP Exome Variant Server 0.00008.
gnomAD v4.1: 2 of 1,614,076 alleles (0.00012%); highest among the groups gnomAD compares: African/African-American, 0.0027%; no homozygotes.

Submissions (3):

Labcorp Genetics (formerly Invitae), Labcorp
Classification: Likely benign for Dilated cardiomyopathy 1KK. Last evaluated: 2025-10-27. Review status: criteria provided, single submitter. Criteria: Invitae Variant Classification Sherloc (09022015). Collection method: clinical testing. Allele origin: germline.

Ambry Genetics
Classification: Likely benign for Cardiovascular phenotype. Last evaluated: 2025-04-05. Review status: criteria provided, single submitter. Criteria: Ambry Variant Classification Scheme 2023. Collection method: clinical testing. Allele origin: germline.

Laboratory for Molecular Medicine, Mass General Brigham Personalized Medicine
Classification: Likely benign. Last evaluated: 2015-08-21. Review status: criteria provided, single submitter. Criteria: LMM Criteria. Collection method: clinical testing. Allele origin: germline. Observed: 1 variant allele.
Comment: p.Pro396Pro in exon 6 of MYPN: This variant is not expected to have clinical sig nificance because it does not alter an amino acid residue and is not located wit hin the splice consensus sequence. It has been identified in 2/10404 African chr omosomes by the Exome Aggregation Consortium (ExAC, rg; dbSNP rs371437119).

NM_032578.4(MYPN):c.1188A>G (p.Pro396=)

Gene: MYPN (myopalladin; plus strand). Cytogenetic location: 10q21.3.
Variant type: single nucleotide variant.
Coding change: c.1188A>G on transcript NM_032578.4 (MANE Select); coding-DNA position 1188, A replaced by G.
Protein change: p.Pro396=; no amino-acid change (proline 396 retained).
Molecular consequence: synonymous variant. On other transcripts: non-coding transcript variant (2).
Genome position (GRCh38, 1-based): chr10:68,148,410, A>G. VCF-style: chr10-68148410-A-G. GRCh37 (hg19) VCF-style: chr10-69908167-A-G.
Other names: c.1188A>G, p.Pro396= (NM_001256267.2); c.306A>G, p.Pro102= (NM_001256268.2); c.1188A>G (NM_032578.2).
Identifiers: ClinVar variation 227713 (VCV000227713.13), dbSNP rs371437119, ClinGen allele CA5522468.